The following is an entry in ClinVar:

ClinVar aggregate classification (germline): Likely benign (0 of 4 stars; one submission).

Conditions:
MSH4-related condition.

Submission:

PreventionGenetics, part of Exact Sciences
Classification: Likely benign for MSH4-related condition. Last evaluated: 2024-09-08. Review status: no assertion criteria provided. Collection method: clinical testing. Allele origin: germline.
Comment: This variant is classified as likely benign based on ACMG/AMP sequence variant interpretation guidelines (Richards et al. 2015 PMID: 25741868, with internal and published modifications).

NM_002440.4(MSH4):c.2620-10del

Gene: MSH4 (mutS homolog 4; plus strand). Cytogenetic location: 1p31.1.
Variant type: Deletion.
Coding change: c.2620-10del on transcript NM_002440.4 (MANE Select); 10 bases into the intron before coding-DNA position 2620, one base deleted (T; older notation c.2620-10delT).
Molecular consequence: intron variant.
Genome position (GRCh38, 1-based): chr1:75,912,686, T deleted; the last of 12 consecutive T bases (chr1:75,912,675-75,912,686); deleting any one gives the same sequence. VCF-style (leftmost placement, unchanged base first): chr1-75912674-AT-A. GRCh37 (hg19) VCF-style: chr1-76378359-AT-A.
Identifiers: ClinVar variation 3345903 (VCV003345903.1).